The following is an entry in ClinVar:

ClinVar aggregate classification (germline): Conflicting classifications of pathogenicity. Review status: criteria provided, conflicting classifications (1 of 4 stars). 6 submissions from 1 submitter: Uncertain significance (1); Benign (4); Likely benign (1). Last evaluated 2018-01-12.

Conditions:
Anophthalmia-microphthalmia syndrome. Also called: Anophthalmia/Microphthalmia; Anophthalmia - microphthalmia. Identifiers: Orphanet 98555, MedGen C5680330, MONDO:0020147.
carboxymethyl-dextran-A2-gadolinium-DOTA.
11p partial monosomy syndrome (WAGR). Also called: WAGR Spectrum Disorder; WAGR syndrome; WAGR Complex; CHROMOSOME 11p13 DELETION SYNDROME. Identifiers: Orphanet 893, MedGen C0206115, MONDO:0008681, OMIM 194072.
Aniridia 1 (AN1). Identifiers: Orphanet 250923, MedGen C0344542, MONDO:0024507, OMIM 106210.
Autosomal dominant keratitis. Also called: Keratitis, hereditary. Identifiers: Orphanet 2334, MedGen C1835698, MONDO:0007848, OMIM 148190.
Foveal hypoplasia 1. Also called: FOVEAL HYPOPLASIA 1 WITH OR WITHOUT ANTERIOR SEGMENT ANOMALIES AND/OR CATARACT; FOVEAL HYPOPLASIA 1 WITH ANTERIOR SEGMENT ANOMALIES. Identifiers: Orphanet 2253, MedGen C3805604, MONDO:0007628, OMIM 136520.

Allele frequency attached by ClinVar (database versions not stated): gnomAD exomes 0.00021; gnomAD 0.00060; 1000 Genomes Project 0.00100; TOPMed 0.00082; 1000 Genomes Project 30x 0.00109.
gnomAD v4.1: 123 of 228,998 alleles (0.054%); highest among the groups gnomAD compares: African/African-American, 0.22%; no homozygotes.

Submissions (6):

Illumina Laboratory Services, Illumina
Classification: Benign for Foveal hypoplasia 1. Last evaluated: 2018-01-12. Review status: criteria provided, single submitter. Criteria: ICSL Variant Classification Criteria 13 December 2019. Collection method: clinical testing. Allele origin: germline.
Comment: This variant was observed in the ICSL laboratory as part of a predisposition screen in an ostensibly healthy population. It had not been previously curated by ICSL or reported in the Human Gene Mutation Database (HGMD: prior to June 1st, 2018), and was therefore a candidate for classification through an automated scoring system. Utilizing variant allele frequency, disease prevalence and penetrance estimates, and inheritance mode, an automated score was calculated to assess if this variant is too frequent to cause the disease. Based on the score and internal cut-off values, a variant classified as benign is not then subjected to further curation. The score for this variant resulted in a classification of benign for this disease.

Illumina Laboratory Services, Illumina
Classification: Likely benign for carboxymethyl-dextran-A2-gadolinium-DOTA. Last evaluated: 2018-01-12. Review status: criteria provided, single submitter. Criteria: ICSL Variant Classification Criteria 13 December 2019. Collection method: clinical testing. Allele origin: germline.
Comment: This variant was observed in the ICSL laboratory as part of a predisposition screen in an ostensibly healthy population. It had not been previously curated by ICSL or reported in the Human Gene Mutation Database (HGMD: prior to June 1st, 2018), and was therefore a candidate for classification through an automated scoring system. Utilizing variant allele frequency, disease prevalence and penetrance estimates, and inheritance mode, an automated score was calculated to assess if this variant is too frequent to cause the disease. Based on the score and internal cut-off values, a variant classified as likely benign is not then subjected to further curation. The score for this variant resulted in a classification of likely benign for this disease.

Illumina Laboratory Services, Illumina
Classification: Benign for Wilms tumor, aniridia, genitourinary anomalies, and mental retardation syndrome. Last evaluated: 2018-01-12. Review status: criteria provided, single submitter. Criteria: ICSL Variant Classification Criteria 13 December 2019. Collection method: clinical testing. Allele origin: germline.
Comment: the same text as in the submission from Illumina Laboratory Services, Illumina above.

Illumina Laboratory Services, Illumina
Classification: Uncertain significance for Anophthalmia-microphthalmia syndrome. Last evaluated: 2018-01-12. Review status: criteria provided, single submitter. Criteria: ICSL Variant Classification Criteria 13 December 2019. Collection method: clinical testing. Allele origin: germline.

Illumina Laboratory Services, Illumina
Classification: Benign for Autosomal dominant keratitis. Last evaluated: 2018-01-12. Review status: criteria provided, single submitter. Criteria: ICSL Variant Classification Criteria 13 December 2019. Collection method: clinical testing. Allele origin: germline.
Comment: the same text as in the submission from Illumina Laboratory Services, Illumina above.

Illumina Laboratory Services, Illumina
Classification: Benign for Aniridia 1. Last evaluated: 2018-01-12. Review status: criteria provided, single submitter. Criteria: ICSL Variant Classification Criteria 13 December 2019. Collection method: clinical testing. Allele origin: germline.
Comment: the same text as in the submission from Illumina Laboratory Services, Illumina above.

NM_000280.4(PAX6):c.*2882T>C

Genes: ELP4 (elongator acetyltransferase complex subunit 4; plus strand), PAX6 (paired box 6; minus strand). Cytogenetic location: 11p13.
Variant type: single nucleotide variant.
Coding change: c.*2882T>C on transcript NM_000280.4; 2882 bases downstream of the stop codon, T replaced by C.
Molecular consequence: 3 prime UTR variant (on NM_019040.5).
Genome position (GRCh38, 1-based): chr11:31,787,052, A>G on the plus strand (T>C on the coding strand, the complement: PAX6 is on the minus strand). VCF-style: chr11-31787052-A-G. GRCh37 (hg19) VCF-style: chr11-31808600-A-G.
Other names: c.*3514A>G (NM_001288725.2); c.*3623A>G (NM_001288726.2); c.*3528A>G (NM_019040.5).
Identifiers: ClinVar variation 304319 (VCV000304319.8), dbSNP rs143185259, ClinGen allele CA10638292.
Genomic context (GRCh38, chr11:31,787,052, plus strand): 5'-TTGATAAATATATAAATATATGTATCGTTAAATAAATAATAAACAAAAATTATTTCAACA[A>G]TGAGTAAAAGGCCAACTCCCAGGCACTGCTACCACACAGAGCCTGCCATGCTGTCCCCAA-3'